The following is an entry in ClinVar:

ClinVar aggregate classification (germline): Conflicting classifications of pathogenicity. Review status: criteria provided, conflicting classifications (1 of 4 stars). 2 submissions from 2 submitters: Uncertain significance (1); Likely benign (1). Last evaluated 2024-08-14.

Conditions:
MEGF10-related myopathy (CMYO10A). Also called: Congenital myopathy 10A, severe variant. Identifiers: Orphanet 439212, MedGen C3280679, MONDO:0013731, OMIM 614399.

Allele frequency attached by ClinVar (database versions not stated): gnomAD 0.00001 and 0.00002; TOPMed 0.00002; gnomAD exomes 0.00003 and 0.00004; ExAC 0.00007.
gnomAD v4.1: 44 of 1,613,472 alleles (0.0027%); highest among the groups gnomAD compares: Middle Eastern, 0.033%; no homozygotes.

Submissions (2):

Labcorp Genetics (formerly Invitae), Labcorp
Classification: Uncertain significance for MEGF10-related myopathy. Last evaluated: 2024-08-14. Review status: criteria provided, single submitter. Criteria: Invitae Variant Classification Sherloc (09022015). Collection method: clinical testing. Allele origin: germline.
Comment: This sequence change falls in intron 9 of the MEGF10 gene. It does not directly change the encoded amino acid sequence of the MEGF10 protein. It affects a nucleotide within the consensus splice site. This variant is present in population databases (rs746095070, gnomAD 0.03%). This variant has not been reported in the literature in individuals affected with MEGF10-related conditions. ClinVar contains an entry for this variant (Variation ID: 391645). Variants that disrupt the consensus splice site are a relatively common cause of aberrant splicing (PMID: 17576681, 9536098). Algorithms developed to predict the effect of sequence changes on RNA splicing suggest that this variant is not likely to affect RNA splicing. In summary, the available evidence is currently insufficient to determine the role of this variant in disease. Therefore, it has been classified as a Variant of Uncertain Significance.

GeneDx
Classification: Likely benign. Last evaluated: 2016-12-08. Review status: criteria provided, single submitter. Criteria: GeneDx Variant Classification (06012015). Collection method: clinical testing. Allele origin: germline. Affected: yes.
Comment: This variant is considered likely benign or benign based on one or more of the following criteria: it is a conservative change, it occurs at a poorly conserved position in the protein, it is predicted to be benign by multiple in silico algorithms, and/or has population frequency not consistent with disease.

Literature cited by the submitters: PubMed 17576681 (cited by Labcorp Genetics (formerly Invitae), Labcorp); PubMed 9536098 (cited by Labcorp Genetics (formerly Invitae), Labcorp).

NM_001256545.2(MEGF10):c.917+6G>T

Gene: MEGF10 (multiple EGF like domains 10; plus strand). Cytogenetic location: 5q23.2.
Variant type: single nucleotide variant.
Coding change: c.917+6G>T on transcript NM_001256545.2 (MANE Select); 6 bases into the intron after coding-DNA position 917, G replaced by T.
Molecular consequence: intron variant.
Genome position (GRCh38, 1-based): chr5:127,402,688, G>T. VCF-style: chr5-127402688-G-T. GRCh37 (hg19) VCF-style: chr5-126738380-G-T.
Other names: c.917+6G>T (NM_032446.3, NM_001308119.2, NM_001308121.2).
Identifiers: ClinVar variation 391645 (VCV000391645.5), dbSNP rs746095070, ClinGen allele CA3391430.